The following is an entry in ClinVar:

NM_016589.4(TIMMDC1):c.524C>T (p.Thr175Met)

Gene: TIMMDC1 (translocase of inner mitochondrial membrane domain containing 1; plus strand). Cytogenetic location: 3q13.33.
Variant type: single nucleotide variant.
Coding change: c.524C>T on transcript NM_016589.4 (MANE Select); coding-DNA position 524, C replaced by T.
Protein change: p.Thr175Met; replaces threonine 175 with methionine.
Molecular consequence: missense variant.
Genome position (GRCh38, 1-based): chr3:119,513,647, C>T. VCF-style: chr3-119513647-C-T. GRCh37 (hg19) VCF-style: chr3-119232494-C-T.
Other names: c.524C>T (NM_016589.3); short protein forms T175M.
Identifiers: ClinVar variation 807710 (VCV000807710.6), dbSNP rs370482859, ClinGen allele CA2555275.

ClinVar aggregate classification (germline): Conflicting classifications of pathogenicity. Review status: criteria provided, conflicting classifications (1 of 4 stars). 2 submissions from 2 submitters: Likely pathogenic (1); Uncertain significance (1). Last evaluated 2023-01-10.

Conditions:
Mitochondrial complex I deficiency, nuclear type 31. Also called: Mitochondrial complex 1 deficiency, nuclear type 31. Identifiers: MedGen C4748838, MONDO:0032634, OMIM 618251.

Allele frequency attached by ClinVar (database versions not stated): gnomAD 0.00001; gnomAD exomes 0.00003; TOPMed 0.00003; ExAC 0.00005; ESP Exome Variant Server 0.00008.
gnomAD v4.1: 37 of 1,611,994 alleles (0.0023%); highest among the groups gnomAD compares: Middle Eastern, 0.017%; no homozygotes.

Submissions (2):

Women's Health and Genetics/Laboratory Corporation of America, LabCorp
Classification: Uncertain significance. Last evaluated: 2023-01-10. Review status: criteria provided, single submitter. Criteria: LabCorp Variant Classification Summary - May 2015. Collection method: clinical testing. Allele origin: germline.
Comment: Variant summary: C3orf1/TIMMDC1 c.524C>T (p.Thr175Met) results in a non-conservative amino acid change in the encoded protein sequence. Four of five in-silico tools predict a damaging effect of the variant on protein function. The variant allele was found at a frequency of 3.2e-05 in 250896 control chromosomes (gnomAD). The available data on variant occurrences in the general population are insufficient to allow any conclusion about variant significance. To our knowledge, no occurrence of c.524C>T in individuals affected with Mitochondrial Complex 1 Deficiency, Nuclear Type 31 and no experimental evidence demonstrating its impact on protein function have been reported. One ClinVar submitter has assessed the variant since 2014 without submitting evidence for independent evaluation: the variant was classified as likely pathogenic. Based on the evidence outlined above, the variant was classified as uncertain significance.

Institute of Human Genetics Munich, TUM University Hospital
Classification: Likely pathogenic for Mitochondrial complex I deficiency, nuclear type 31. Last evaluated: 2019-02-14. Review status: criteria provided, single submitter. Criteria: Classification criteria August 2017. Collection method: clinical testing. Allele origin: inherited. Inheritance: Autosomal recessive inheritance. Affected: yes. Observed: 1 homozygote.